The following is an entry in ClinVar:

NM_004281.4(BAG3):c.20C>A (p.Ser7Ter)

Gene: BAG3 (BAG cochaperone 3; plus strand). Cytogenetic location: 10q26.11.
Variant type: single nucleotide variant.
Coding change: c.20C>A on transcript NM_004281.4 (MANE Select); coding-DNA position 20, C replaced by A.
Protein change: p.Ser7Ter; replaces serine 7 with a stop codon.
Molecular consequence: nonsense.
Genome position (GRCh38, 1-based): chr10:119,651,695, C>A. VCF-style: chr10-119651695-C-A. GRCh37 (hg19) VCF-style: chr10-121411207-C-A.
Other names: short protein forms S7*.
Identifiers: ClinVar variation 620522 (VCV000620522.1), dbSNP rs1473083093, ClinGen allele CA378294003.

ClinVar aggregate classification (germline): Likely pathogenic (1 of 4 stars; one submission).

Allele frequency attached by ClinVar (database versions not stated): TOPMed below 0.00001 and 0.00002; gnomAD 0.00001 and 0.00003.

Submission:

GeneDx
Classification: Likely pathogenic. Last evaluated: 2019-01-02. Review status: criteria provided, single submitter. Criteria: GeneDx Variant Classification (06012015). Collection method: clinical testing. Allele origin: germline. Affected: yes.
Comment: The S7X likely pathogenic variant in the BAG3 gene has not been reported as a pathogenic or benign to our knowledge. This variant is predicted to cause loss of normal protein function either by protein truncation or nonsense-mediated mRNA decay. Other nonsense variants in the BAG3 gene have been reported in Human Gene Mutation Database in association with cardiomyopathy (Stenson et al., 2014). Furthermore, the S7X variant is not observed at a significant frequency in large population cohorts (Lek et al., 2016). In summary, S7X in the BAG3 gene is interpreted as a likely pathogenic variant.